The following is an entry in ClinVar:

ClinVar aggregate classification (germline): Conflicting classifications of pathogenicity. Review status: criteria provided, conflicting classifications (1 of 4 stars). 3 submissions from 3 submitters: Uncertain significance (1); Likely benign (2). Last evaluated 2025-07-21.

Conditions:
Inborn genetic diseases. Identifiers: MedGen C0950123, MeSH D030342.

Allele frequency attached by ClinVar (database versions not stated): gnomAD exomes 0.00002; ExAC 0.00012; gnomAD 0.00029; 1000 Genomes Project 30x 0.00031; TOPMed 0.00032; ESP Exome Variant Server 0.00038; 1000 Genomes Project 0.00040.
gnomAD v4.1: 97 of 1,614,136 alleles (0.006%); highest among the groups gnomAD compares: African/African-American, 0.099%; 1 homozygote.

Submissions (3):

Labcorp Genetics (formerly Invitae), Labcorp
Classification: Likely benign. Last evaluated: 2025-07-21. Review status: criteria provided, single submitter. Criteria: Invitae Variant Classification Sherloc (09022015). Collection method: clinical testing. Allele origin: germline.

Ambry Genetics
Classification: Likely benign for Inborn genetic diseases. Last evaluated: 2024-09-02. Review status: criteria provided, single submitter. Criteria: Ambry Variant Classification Scheme 2023. Collection method: clinical testing. Allele origin: germline.

GeneDx
Classification: Uncertain significance. Last evaluated: 2023-08-18. Review status: criteria provided, single submitter. Criteria: GeneDx Variant Classification Process June 2021. Collection method: clinical testing. Allele origin: germline. Affected: yes.
Comment: In silico analysis supports that this missense variant has a deleterious effect on protein structure/function; Has not been previously published as pathogenic or benign to our knowledge

NM_001394062.1(MACF1):c.12238A>G (p.Thr4080Ala)

Genes: MACF1 (microtubule actin crosslinking factor 1; plus strand), LOC126805711 (CDK7 strongly-dependent group 2 enhancer GRCh37_chr1:39824023-39825222; plus strand). Cytogenetic location: 1p34.3.
Variant type: single nucleotide variant.
Coding change: c.12238A>G on transcript NM_001394062.1 (MANE Select); coding-DNA position 12238, A replaced by G.
Protein change: p.Thr4080Ala; replaces threonine 4080 with alanine.
Molecular consequence: missense variant.
Genome position (GRCh38, 1-based): chr1:39,359,258, A>G. VCF-style: chr1-39359258-A-G. GRCh37 (hg19) VCF-style: chr1-39824930-A-G.
Other names: c.6052A>G (NM_012090.4); c.6052A>G, p.Thr2018Ala (NM_012090.5); short protein forms T2018A, T4080A.
Identifiers: ClinVar variation 2064190 (VCV002064190.6), dbSNP rs150440292, ClinGen allele CA781756.
Genomic context (GRCh38, chr1:39,359,258, plus strand): 5'-GCTCGTGACATAATGGAAATTGAAGGGGAGCCAGCCCCAGACCACAGGCATGTTCAAGAA[A>G]CTACAGGTATAAAGCAGCAACAGTATAATAGTACTCCCTTAATTCCTAGTATGTACCTCT-3'
Protein context (NP_001380991.1, residues 4070-4090): PAPDHRHVQE[Thr4080Ala]TDSILSHFQS